The following continues an entry in ClinVar:

NM_000250.2(MPO):c.2031-2A>C

ClinVar aggregate classification (germline): Pathogenic/Likely pathogenic. Pathogenic (13); Likely pathogenic (5).

Submissions 19 to 32 of 32:

Undiagnosed Diseases Network, NIH
Classification: Pathogenic for Myeloperoxidase deficiency. Last evaluated: 2023-05-22. Review status: no assertion criteria provided. Collection method: clinical testing. Allele origin: maternal. Affected: yes. Observed: 1 variant allele, 1 compound heterozygote. Study: Undiagnosed Diseases Network (NIH), UDN. Not counted in ClinVar's aggregate classification.

Clinic of Clinical Immunology with Stem Cell Bank, Expert Centre for Rare Diseases - PID, University Hospital "Alexandrovska"
Classification: Likely pathogenic for Myeloperoxidase deficiency. Last evaluated: 2022-05-01. Review status: no assertion criteria provided. Collection method: clinical testing. Allele origin: germline. Affected: yes. Not counted in ClinVar's aggregate classification.

Reproductive Health Research and Development, BGI Genomics
Classification: Pathogenic for Myeloperoxidase deficiency. Last evaluated: 2020-01-06. Review status: no assertion criteria provided. Collection method: curation. Allele origin: germline. Not counted in ClinVar's aggregate classification.
Comment: NG_009629.1(NM_000250.1):c.2031-2A>C in the MPO gene has an allele frequency of 0.013 in Ashkenazi Jewish subpopulation in the gnomAD database. This variant is predicted to cause loss of normal protein function either through protein truncation or nonsense-mediated mRNA decay. It was detected in individual with autosomal recessive Myeloperoxidase deficiency, compound heterozygous with c.1566_1579del14 (PMID:15108282). The patient's phenotype is highly specific for the MPO gene (PMID:15108282). Taken together, we interprete this variant as Pathogenic/Likely pathogenic. ACMG/AMP criteria applied:PVS1; PM3; PP4; BS1.

OMIM
Classification: Pathogenic for MYELOPEROXIDASE DEFICIENCY. Last evaluated: 2004-05-01. Review status: no assertion criteria provided. Collection method: literature only. Allele origin: germline. Not counted in ClinVar's aggregate classification.

Clinical Genetics DNA and cytogenetics Diagnostics Lab, Erasmus MC, Erasmus Medical Center
Classification: Pathogenic. Review status: no assertion criteria provided. Collection method: clinical testing. Allele origin: germline. Affected: yes. Study: VKGL Data-share Consensus. Not counted in ClinVar's aggregate classification.

Diagnostic Laboratory, Department of Genetics, University Medical Center Groningen
Classification: Likely pathogenic. Review status: no assertion criteria provided. Collection method: clinical testing. Allele origin: germline. Affected: yes. Study: VKGL Data-share Consensus. Not counted in ClinVar's aggregate classification.

Dr. Peter K. Rogan Lab, Western University
No classification provided (evidence only). Condition: Acute myeloid leukemia. Review status: no classification provided. Collection method: in vitro. Allele origin: not applicable. Functional consequence: retained intron. Not counted in ClinVar's aggregate classification.

Dr. Peter K. Rogan Lab, Western University
No classification provided (evidence only). Condition: Acute myeloid leukemia. Review status: no classification provided. Collection method: in vitro. Allele origin: not applicable. Functional consequence: retained intron. Not counted in ClinVar's aggregate classification.

Dr. Peter K. Rogan Lab, Western University
No classification provided (evidence only). Condition: Acute myeloid leukemia. Review status: no classification provided. Collection method: in vitro. Allele origin: not applicable. Functional consequence: retained intron. Not counted in ClinVar's aggregate classification.

Dr. Peter K. Rogan Lab, Western University
No classification provided (evidence only). Condition: Thymoma. Review status: no classification provided. Collection method: in vitro. Allele origin: not applicable. Functional consequence: retained intron. Not counted in ClinVar's aggregate classification.

Dr. Peter K. Rogan Lab, Western University
No classification provided (evidence only). Condition: Ovarian serous cystadenocarcinoma. Review status: no classification provided. Collection method: in vitro. Allele origin: not applicable. Functional consequence: retained intron. Not counted in ClinVar's aggregate classification.

Dr. Peter K. Rogan Lab, Western University
No classification provided (evidence only). Condition: Uterine carcinosarcoma. Review status: no classification provided. Collection method: in vitro. Allele origin: not applicable. Functional consequence: retained intron. Not counted in ClinVar's aggregate classification.

Dr. Peter K. Rogan Lab, Western University
No classification provided (evidence only). Condition: Malignant tumor of esophagus. Review status: no classification provided. Collection method: in vitro. Allele origin: not applicable. Functional consequence: retained intron. Not counted in ClinVar's aggregate classification.

Joint Genome Diagnostic Labs from Nijmegen and Maastricht, Radboudumc and MUMC+
Classification: Pathogenic. Review status: no assertion criteria provided. Collection method: clinical testing. Allele origin: germline. Affected: yes. Study: VKGL Data-share Consensus. Not counted in ClinVar's aggregate classification.

Literature cited by the submitters: PubMed 32758448 (cited by Dasa and AiLife Diagnostics); PubMed 33955502 (cited by Dasa); PubMed 15108282 (cited by 4 submitters); PubMed 26764160 (cited by AiLife Diagnostics); PubMed 32531373 (cited by AiLife Diagnostics); PubMed 32758447 (cited by AiLife Diagnostics); PubMed 31980526 (cited by AiLife Diagnostics); PubMed 34426522 (cited by AiLife Diagnostics); PubMed 26822949 (cited by AiLife Diagnostics); PubMed 30487145 (cited by AiLife Diagnostics); PubMed 9766845 (cited by Laboratory for Molecular Medicine, Mass General Brigham Personalized Medicine); PubMed 6260268 (cited by Laboratory for Molecular Medicine, Mass General Brigham Personalized Medicine).